The following is an entry in ClinVar:

NM_018180.3(DHX32):c.2064-14T>A

Genes: BCCIP (BRCA2 and CDKN1A interacting protein; plus strand), DHX32 (DEAH-box helicase 32 (putative); minus strand). Cytogenetic location: 10q26.2.
Variant type: single nucleotide variant.
Coding change: c.2064-14T>A on transcript NM_018180.3 (MANE Select); 14 bases into the intron before coding-DNA position 2064, T replaced by A.
Molecular consequence: intron variant.
Genome position (GRCh38, 1-based): chr10:125,836,869, A>T on the plus strand (T>A on the coding strand, the complement: DHX32 is on the minus strand). VCF-style: chr10-125836869-A-T. GRCh37 (hg19) VCF-style: chr10-127525438-A-T.
Other names: c.774+2923A>T (NM_016567.4, NM_078469.3).
Identifiers: ClinVar variation 3621871 (VCV003621871.2).

ClinVar aggregate classification (germline): Uncertain significance (1 of 4 stars; one submission).

gnomAD v4.1: 1 of 1,612,702 alleles (0.000062%); highest among the groups gnomAD compares: Admixed American, 0.0017%; no homozygotes.

Submission:

Labcorp Genetics (formerly Invitae), Labcorp
Classification: Uncertain significance. Last evaluated: 2024-05-29. Review status: criteria provided, single submitter. Criteria: Invitae Variant Classification Sherloc (09022015). Collection method: clinical testing. Allele origin: germline.
Comment: This sequence change falls in intron 10 of the DHX32 gene. It does not directly change the encoded amino acid sequence of the DHX32 protein. This variant is not present in population databases (gnomAD no frequency). This variant has not been reported in the literature in individuals affected with DHX32-related conditions. Algorithms developed to predict the effect of sequence changes on RNA splicing suggest that this variant may disrupt the consensus splice site. In summary, the available evidence is currently insufficient to determine the role of this variant in disease. Therefore, it has been classified as a Variant of Uncertain Significance.